The following is an entry in ClinVar:

NM_144573.4(NEXN):c.106G>A (p.Glu36Lys)

Gene: NEXN (nexilin F-actin binding protein; plus strand). Cytogenetic location: 1p31.1.
Variant type: single nucleotide variant.
Coding change: c.106G>A on transcript NM_144573.4 (MANE Select); coding-DNA position 106, G replaced by A.
Protein change: p.Glu36Lys; replaces glutamic acid 36 with lysine.
Molecular consequence: missense variant. On other transcripts: intron variant (1).
Genome position (GRCh38, 1-based): chr1:77,917,644, G>A. VCF-style: chr1-77917644-G-A. GRCh37 (hg19) VCF-style: chr1-78383329-G-A.
Other names: c.28-316G>A (NM_001172309.2); short protein forms E36K.
Identifiers: ClinVar variation 2202775 (VCV002202775.5), dbSNP rs200345240, ClinGen allele CA918563.

ClinVar aggregate classification (germline): Uncertain significance. Review status: criteria provided, multiple submitters, no conflicts (2 of 4 stars). 2 submissions from 2 submitters: Uncertain significance (2). Last evaluated 2024-02-22.

Conditions:
Hypertrophic cardiomyopathy 20. Identifiers: MedGen C3151267, MONDO:0013477, OMIM 613876.
Dilated cardiomyopathy 1CC (CMD1CC). Identifiers: Orphanet 154, MedGen C2751084, MONDO:0013147, OMIM 613122.
Cardiovascular phenotype. Identifiers: MedGen CN230736.

Allele frequency attached by ClinVar (database versions not stated): TOPMed below 0.00001; gnomAD 0.00001; gnomAD exomes 0.00001; ExAC 0.00002; 1000 Genomes Project 30x 0.00016; 1000 Genomes Project 0.00020.
gnomAD v4.1: 11 of 1,613,438 alleles (0.00068%); highest among the groups gnomAD compares: East Asian, 0.025%; no homozygotes.

Submissions (2):

Ambry Genetics
Classification: Uncertain significance for Cardiovascular phenotype. Last evaluated: 2024-02-22. Review status: criteria provided, single submitter. Criteria: Ambry Variant Classification Scheme 2023. Collection method: clinical testing. Allele origin: germline.
Comment: The p.E36K variant (also known as c.106G>A), located in coding exon 2 of the NEXN gene, results from a G to A substitution at nucleotide position 106. The glutamic acid at codon 36 is replaced by lysine, an amino acid with similar properties. This variant has been detected in a sudden unexplained death cohort; however, details were limited (Suktitipat B et al. PLoS One, 2017 Jul;12:e0180056). This amino acid position is highly conserved in available vertebrate species. In addition, this alteration is predicted to be deleterious by in silico analysis. Based on the available evidence, the clinical significance of this alteration remains unclear.

Labcorp Genetics (formerly Invitae), Labcorp
Classification: Uncertain significance for Dilated cardiomyopathy 1CC; Hypertrophic cardiomyopathy 20. Last evaluated: 2022-07-04. Review status: criteria provided, single submitter. Criteria: Invitae Variant Classification Sherloc (09022015). Collection method: clinical testing. Allele origin: germline.
Comment: In summary, the available evidence is currently insufficient to determine the role of this variant in disease. Therefore, it has been classified as a Variant of Uncertain Significance. Algorithms developed to predict the effect of missense changes on protein structure and function are either unavailable or do not agree on the potential impact of this missense change (SIFT: "Deleterious"; PolyPhen-2: "Probably Damaging"; Align-GVGD: "Class C0"). This missense change has been observed in individual(s) with clinical features of NEXN-related conditions (PMID: 28704380). This variant is present in population databases (rs200345240, gnomAD 0.01%). This sequence change replaces glutamic acid, which is acidic and polar, with lysine, which is basic and polar, at codon 36 of the NEXN protein (p.Glu36Lys).

Literature cited by the submitters: PubMed 28704380 (cited by Ambry Genetics and Labcorp Genetics (formerly Invitae), Labcorp).